The following is an entry in ClinVar:

ClinVar aggregate classification (germline): Pathogenic (1 of 4 stars; one submission).

Conditions:
Immunodeficiency 23 (IMD23). Also called: IMMUNODEFICIENCY WITH HYPER IgE AND COGNITIVE IMPAIRMENT; IMMUNODEFICIENCY-VASCULITIS-MYOCLONUS SYNDROME. Identifiers: Orphanet 443811, MedGen C4014371, MONDO:0014353, OMIM 615816.

Submission:

Labcorp Genetics (formerly Invitae), Labcorp
Classification: Pathogenic for Immunodeficiency 23. Last evaluated: 2025-07-28. Review status: criteria provided, single submitter. Criteria: Invitae Variant Classification Sherloc (09022015). Collection method: clinical testing. Allele origin: germline.
Comment: This sequence change creates a premature translational stop signal (p.Thr19Aspfs*46) in the PGM3 gene. It is expected to result in an absent or disrupted protein product. Loss-of-function variants in PGM3 are known to be pathogenic (PMID: 17548465, 24589341, 24931394). This variant is not present in population databases (gnomAD no frequency). This variant has not been reported in the literature in individuals affected with PGM3-related conditions. ClinVar contains an entry for this variant (Variation ID: 3668369). For these reasons, this variant has been classified as Pathogenic.

Literature cited by the submitters: PubMed 17548465; PubMed 24589341; PubMed 24931394.

NM_015599.3(PGM3):c.-2-201dup

Gene: PGM3 (phosphoglucomutase 3; minus strand). Cytogenetic location: 6q14.1.
Variant type: Duplication.
Coding change: c.-2-201dup on transcript NM_015599.3 (MANE Select); 201 bases into the intron before 2 bases upstream of the start codon, one base duplicated (G; older notation c.-2-201dupG).
Molecular consequence: intron variant. On other transcripts: frameshift variant (2).
Genome position (GRCh38, 1-based): chr6:83,191,215, C duplicated on the plus strand (G on the coding strand, the reverse complement: PGM3 is on the minus strand); the first of 2 consecutive C bases (chr6:83,191,215-83,191,216); duplicating either gives the same sequence. VCF-style (leftmost placement, unchanged base first): chr6-83191214-T-TC. GRCh37 (hg19) VCF-style: chr6-83900933-T-TC.
Other names: c.54dup, p.Thr19fs (NM_001199917.2, NM_001367287.1); c.-40+1964dup (NM_001199918.2); c.-2-201dup (NM_001367286.1, NM_001199919.2); short protein forms T19fs.
Identifiers: ClinVar variation 3668369 (VCV003668369.2).